The following is an entry in ClinVar:

ClinVar aggregate classification (germline): Pathogenic (1 of 4 stars; one submission).

Submission:

GeneDx
Classification: Pathogenic. Last evaluated: 2025-04-09. Review status: criteria provided, single submitter. Criteria: GeneDx Variant Classification Process June 2021. Collection method: clinical testing. Allele origin: germline. Affected: yes.
Comment: Not observed at significant frequency in large population cohorts (gnomAD); RNA studies demonstrate a damaging effect by resulting in two alternate splicing events, both of which result in significant protein truncation and predicted nonsense mediated decay (PMID: 37107610); This variant is associated with the following publications: (PMID: 37107610)

NM_006306.4(SMC1A):c.615+5G>A

Gene: SMC1A (structural maintenance of chromosomes 1A; minus strand). Cytogenetic location: Xp11.22.
Variant type: single nucleotide variant.
Coding change: c.615+5G>A on transcript NM_006306.4 (MANE Select); 5 bases into the intron after coding-DNA position 615, G replaced by A.
Molecular consequence: intron variant.
Genome position (GRCh38, 1-based): chrX:53,413,227, C>T on the plus strand (G>A on the coding strand, the complement: SMC1A is on the minus strand). VCF-style: chrX-53413227-C-T. GRCh37 (hg19) VCF-style: chrX-53440177-C-T.
Other names: c.549+5G>A (NM_001281463.1).
Identifiers: ClinVar variation 421309 (VCV000421309.3), dbSNP rs1064795049, ClinGen allele CA16621448.